The following is an entry in ClinVar:

ClinVar aggregate classification (germline): Uncertain significance (1 of 4 stars; one submission).

gnomAD v4.1: 1 of 1,613,008 alleles (0.000062%); no homozygotes.

Submission:

Ambry Genetics
Classification: Uncertain significance. Last evaluated: 2024-09-30. Review status: criteria provided, single submitter. Criteria: Ambry Variant Classification Scheme 2023. Collection method: clinical testing. Allele origin: germline.
Comment: The p.G93E variant (also known as c.278G>A), located in coding exon 4 of the BUB1 gene, results from a G to A substitution at nucleotide position 278. The glycine at codon 93 is replaced by glutamic acid, an amino acid with similar properties. This amino acid position is conserved. In addition, this alteration is predicted to be deleterious by in silico analysis. Based on the available evidence, the clinical significance of this variant remains unclear.

NM_004336.5(BUB1):c.278G>A (p.Gly93Glu)

Gene: BUB1 (BUB1 mitotic checkpoint serine/threonine kinase; minus strand). Cytogenetic location: 2q13.
Variant type: single nucleotide variant.
Coding change: c.278G>A on transcript NM_004336.5 (MANE Select); coding-DNA position 278, G replaced by A.
Protein change: p.Gly93Glu; replaces glycine 93 with glutamic acid.
Molecular consequence: missense variant.
Genome position (GRCh38, 1-based): chr2:110,672,805, C>T on the plus strand (G>A on the coding strand, the complement: BUB1 is on the minus strand). VCF-style: chr2-110672805-C-T. GRCh37 (hg19) VCF-style: chr2-111430382-C-T.
Other names: c.218G>A, p.Gly73Glu (NM_001278616.2); c.278G>A, p.Gly93Glu (NM_001278617.2); short protein forms G73E, G93E.
Identifiers: ClinVar variation 2286278 (VCV002286278.3), dbSNP rs932529131, ClinGen allele CA53544425.